The following is an entry in ClinVar:

ClinVar aggregate classification (germline): Uncertain significance (1 of 4 stars; one submission).

Conditions:
Norman-Roberts syndrome (LIS2). Also called: Lissencephaly 2 (Norman-Roberts type). Identifiers: Orphanet 89844, MedGen C0796089, MONDO:0009760, OMIM 257320.
Familial temporal lobe epilepsy 7. Identifiers: Orphanet 101046, MedGen C4225327, MONDO:0014639, OMIM 616436.

Submission:

Labcorp Genetics (formerly Invitae), Labcorp
Classification: Uncertain significance for Familial temporal lobe epilepsy 7; Norman-Roberts syndrome. Last evaluated: 2022-08-31. Review status: criteria provided, single submitter. Criteria: Invitae Variant Classification Sherloc (09022015). Collection method: clinical testing. Allele origin: germline.
Comment: This sequence change replaces asparagine, which is neutral and polar, with histidine, which is basic and polar, at codon 1443 of the RELN protein (p.Asn1443His). This variant is not present in population databases (gnomAD no frequency). This variant has not been reported in the literature in individuals affected with RELN-related conditions. Algorithms developed to predict the effect of missense changes on protein structure and function (SIFT, PolyPhen-2, Align-GVGD) all suggest that this variant is likely to be tolerated. In summary, the available evidence is currently insufficient to determine the role of this variant in disease. Therefore, it has been classified as a Variant of Uncertain Significance.

NM_005045.4(RELN):c.4327A>C (p.Asn1443His)

Gene: RELN (reelin; minus strand). Cytogenetic location: 7q22.1.
Variant type: single nucleotide variant.
Coding change: c.4327A>C on transcript NM_005045.4 (MANE Select); coding-DNA position 4327, A replaced by C.
Protein change: p.Asn1443His; replaces asparagine 1443 with histidine.
Molecular consequence: missense variant.
Genome position (GRCh38, 1-based): chr7:103,574,276, T>G on the plus strand (A>C on the coding strand, the complement: RELN is on the minus strand). VCF-style: chr7-103574276-T-G. GRCh37 (hg19) VCF-style: chr7-103214723-T-G.
Other names: c.4327A>C, p.Asn1443His (NM_173054.3); short protein forms N1443H.
Identifiers: ClinVar variation 2001036 (VCV002001036.4), dbSNP rs2484755344, ClinGen allele CA368751909.
Genomic context (GRCh38, chr7:103,574,276, plus strand): 5'-ACCACAGAGGGCTGAGCTTCCCCTCAAACCTATCGAACATCTCATTGTGATTGGGGACAT[T>G]TGACACACAGGTTCCTTGTGCAGCTTCAGAAAAAGAAATAGAGAGGAGAGATGCTTTGTT-3'
Protein context (NP_005036.2, residues 1433-1453): YTAAQGTCVS[Asn1443His]VPNHNEMFDR